The following is an entry in ClinVar:

NM_017636.4(TRPM4):c.2155C>T (p.Arg719Trp)

Gene: TRPM4 (transient receptor potential cation channel subfamily M member 4; plus strand). Cytogenetic location: 19q13.33.
Variant type: single nucleotide variant.
Coding change: c.2155C>T on transcript NM_017636.4 (MANE Select); coding-DNA position 2155, C replaced by T.
Protein change: p.Arg719Trp; replaces arginine 719 with tryptophan.
Molecular consequence: missense variant.
Genome position (GRCh38, 1-based): chr19:49,190,718, C>T. VCF-style: chr19-49190718-C-T. GRCh37 (hg19) VCF-style: chr19-49693975-C-T.
Other names: c.2155C>T (NM_017636.3); c.2155C>T, p.Arg719Trp (NM_001195227.2); c.1810C>T, p.Arg604Trp (NM_001321281.2); c.547C>T, p.Arg183Trp (NM_001321282.2); c.1633C>T, p.Arg545Trp (NM_001321283.2); c.1093C>T, p.Arg365Trp (NM_001321285.2); short protein forms R365W, R719W, R604W, R183W, R545W.
Identifiers: ClinVar variation 1511438 (VCV001511438.7), dbSNP rs760650918, ClinGen allele CA9569464.

ClinVar aggregate classification (germline): Uncertain significance. Review status: criteria provided, multiple submitters, no conflicts (2 of 4 stars). 2 submissions from 2 submitters: Uncertain significance (2). Last evaluated 2025-05-24.

Conditions:
Cardiovascular phenotype. Identifiers: MedGen CN230736.
Progressive familial heart block type IB (PFHB1B). Identifiers: Orphanet 871, MedGen C1970298, MONDO:0011474, OMIM 604559.

Allele frequency attached by ClinVar (database versions not stated): gnomAD 0.00001; TOPMed 0.00002; ExAC 0.00003.
gnomAD v4.1: 72 of 1,613,954 alleles (0.0045%); highest among the groups gnomAD compares: South Asian, 0.033%; no homozygotes.

Submissions (2):

Ambry Genetics
Classification: Uncertain significance for Cardiovascular phenotype. Last evaluated: 2025-05-24. Review status: criteria provided, single submitter. Criteria: Ambry Variant Classification Scheme 2023. Collection method: clinical testing. Allele origin: germline.
Comment: The p.R719W variant (also known as c.2155C>T), located in coding exon 16 of the TRPM4 gene, results from a C to T substitution at nucleotide position 2155. The arginine at codon 719 is replaced by tryptophan, an amino acid with dissimilar properties. This amino acid position is conserved. In addition, this alteration is predicted to be tolerated by in silico analysis. Based on the available evidence, the clinical significance of this variant remains unclear.

Labcorp Genetics (formerly Invitae), Labcorp
Classification: Uncertain significance for Progressive familial heart block type IB. Last evaluated: 2024-10-30. Review status: criteria provided, single submitter. Criteria: Invitae Variant Classification Sherloc (09022015). Collection method: clinical testing. Allele origin: germline.
Comment: This sequence change replaces arginine, which is basic and polar, with tryptophan, which is neutral and slightly polar, at codon 719 of the TRPM4 protein (p.Arg719Trp). This variant is present in population databases (rs760650918, gnomAD 0.03%). This variant has not been reported in the literature in individuals affected with TRPM4-related conditions. ClinVar contains an entry for this variant (Variation ID: 1511438). An algorithm developed to predict the effect of missense changes on protein structure and function (PolyPhen-2) suggests that this variant is likely to be disruptive. In summary, the available evidence is currently insufficient to determine the role of this variant in disease. Therefore, it has been classified as a Variant of Uncertain Significance.